The following is an entry in ClinVar:

NM_001370259.2(MEN1):c.*10G>T

Gene: MEN1 (menin 1; minus strand). Cytogenetic location: 11q13.1.
Variant type: single nucleotide variant.
Coding change: c.*10G>T on transcript NM_001370259.2 (MANE Select); 10 bases downstream of the stop codon, G replaced by T.
Molecular consequence: 3 prime UTR variant. On other transcripts: non-coding transcript variant (4).
Genome position (GRCh38, 1-based): chr11:64,804,324, C>A on the plus strand (G>T on the coding strand, the complement: MEN1 is on the minus strand). VCF-style: chr11-64804324-C-A. GRCh37 (hg19) VCF-style: chr11-64571796-C-A.
Other names: c.*10G>T (NM_000244.4, NM_001370251.2, NM_001370260.2 and 20 more transcripts).
Identifiers: ClinVar variation 3572321 (VCV003572321.2).

ClinVar aggregate classification (germline): Conflicting classifications of pathogenicity. Review status: criteria provided, conflicting classifications (1 of 4 stars). 2 submissions from 2 submitters: Uncertain significance (1); Benign (1). Last evaluated 2024-11-05.

Conditions:
Multiple endocrine neoplasia, type 1 (MEN1). Also called: MEA I; MEN I; WERMER SYNDROME; Endocrine adenomatosis multiple; MEN 1. Identifiers: Orphanet 652, MedGen C0025267, MeSH D018761, MONDO:0007540, OMIM 131100.

Submissions (2):

Myriad Genetics, Inc.
Classification: Benign for Multiple endocrine neoplasia, type 1. Last evaluated: 2024-11-05. Review status: criteria provided, single submitter. Criteria: Myriad Autosomal Dominant, Autosomal Recessive and X-Linked Classification Criteria (2023). Collection method: clinical testing. Allele origin: unknown.
Comment: This variant is considered benign. This variant occurs in the non-coding 3' untranslated region of the gene, and is not expected to impact protein function.

Quest Diagnostics Nichols Institute San Juan Capistrano
Classification: Uncertain significance. Last evaluated: 2024-08-05. Review status: criteria provided, single submitter. Criteria: Quest Diagnostics criteria. Collection method: clinical testing. Allele origin: unknown.
Comment: The MEN1 c.*10G>T variant has not been reported in individuals with MEN1-related conditions in the published literature. It also has not been reported in large, multi-ethnic general populations (Genome Aggregation Database). Based on the available information, we are unable to determine the clinical significance of this variant.